The following is an entry in ClinVar:

ClinVar aggregate classification (germline): Uncertain significance. Review status: criteria provided, multiple submitters, no conflicts (2 of 4 stars). 2 submissions from 2 submitters: Uncertain significance (2). Last evaluated 2025-11-17.

Conditions:
Inborn genetic diseases. Identifiers: MedGen C0950123, MeSH D030342.

Allele frequency attached by ClinVar (database versions not stated): gnomAD exomes 0.00002; ExAC 0.00003; gnomAD 0.00013 and 0.00014; TOPMed 0.00016.
gnomAD v4.1: 37 of 1,613,944 alleles (0.0023%); highest among the groups gnomAD compares: African/African-American, 0.049%; no homozygotes.

Submissions (2):

Ambry Genetics
Classification: Uncertain significance for Inborn genetic diseases. Last evaluated: 2025-11-17. Review status: criteria provided, single submitter. Criteria: Ambry Variant Classification Scheme 2023. Collection method: clinical testing. Allele origin: germline.

GeneDx
Classification: Uncertain significance. Last evaluated: 2022-02-17. Review status: criteria provided, single submitter. Criteria: GeneDx Variant Classification Process June 2021. Collection method: clinical testing. Allele origin: germline. Affected: yes.
Comment: In silico analysis supports that this missense variant has a deleterious effect on protein structure/function; Has not been previously published as pathogenic or benign to our knowledge

NM_001042646.3(TRAK1):c.281A>T (p.Tyr94Phe)

Gene: TRAK1 (trafficking kinesin protein 1; plus strand). Cytogenetic location: 3p22.1.
Variant type: single nucleotide variant.
Coding change: c.281A>T on transcript NM_001042646.3 (MANE Select); coding-DNA position 281, A replaced by T.
Protein change: p.Tyr94Phe; replaces tyrosine 94 with phenylalanine.
Molecular consequence: missense variant. On other transcripts: 5 prime UTR variant (1), non-coding transcript variant (1).
Genome position (GRCh38, 1-based): chr3:42,125,609, A>T. VCF-style: chr3-42125609-A-T. GRCh37 (hg19) VCF-style: chr3-42167101-A-T.
Other names: c.281A>T (NM_001042646.1); c.281A>T, p.Tyr94Phe (NM_001265608.2, NM_001349246.2, NM_001349247.2); c.-32A>T (NM_001349245.1); short protein forms Y94F.
Identifiers: ClinVar variation 1702689 (VCV001702689.3), dbSNP rs772587793, ClinGen allele CA2332966.